The following is an entry in ClinVar:

ClinVar aggregate classification (germline): Likely benign. Review status: criteria provided, multiple submitters, no conflicts (2 of 4 stars). 3 submissions from 3 submitters: Likely benign (3). Last evaluated 2023-12-21.

Conditions:
Malignant hyperthermia, susceptibility to, 1 (MHS1). Also called: RYR1-Related Malignant Hyperthermia Susceptibility; Anesthesia related hyperthermia; Malignant hyperpyrexia; Fulminating hyperpyrexia; Pharmacogenic myopathy; Malignant hyperthermia suceptibility 1. Identifiers: Orphanet 423, MedGen C2930980, MONDO:0007783, OMIM 145600.
RYR1-related disorder. Also called: RYR1-related disorders; RYR1-related condition. Identifiers: MedGen CN239331.

gnomAD v4.1: 16 of 1,612,476 alleles (0.00099%); highest among the groups gnomAD compares: Non-Finnish European, 0.0013%; no homozygotes.

Submissions (3):

Labcorp Genetics (formerly Invitae), Labcorp
Classification: Likely benign for RYR1-related disorder. Last evaluated: 2023-12-21. Review status: criteria provided, single submitter. Criteria: Invitae Variant Classification Sherloc (09022015). Collection method: clinical testing. Allele origin: germline.

All of Us Research Program, National Institutes of Health
Classification: Likely benign for Malignant hyperthermia, susceptibility to, 1. Last evaluated: 2023-12-01. Review status: criteria provided, single submitter. Criteria: ACMG Guidelines, 2015. Collection method: clinical testing. Allele origin: germline. Inheritance: Autosomal dominant inheritance. Observed: 2 variant alleles, 2 heterozygotes.
Comment: This study involves interpretation of variants in research participants for the purpose of population health screening. Participant phenotype was not available at the time of variant classification. Additional details can be found in publication PMID: 35346344, PMCID: PMC8962531

Color Diagnostics, LLC DBA Color Health
Classification: Likely benign for Malignant hyperthermia, susceptibility to, 1. Last evaluated: 2022-11-06. Review status: criteria provided, single submitter. Criteria: ACMG Guidelines, 2015. Collection method: clinical testing. Allele origin: germline.

NM_000540.3(RYR1):c.7755C>G (p.Thr2585=)

Gene: RYR1 (ryanodine receptor 1; plus strand). Cytogenetic location: 19q13.2.
Variant type: single nucleotide variant.
Coding change: c.7755C>G on transcript NM_000540.3 (MANE Select); coding-DNA position 7755, C replaced by G.
Protein change: p.Thr2585=; no amino-acid change (threonine 2585 retained).
Molecular consequence: synonymous variant.
Genome position (GRCh38, 1-based): chr19:38,502,647, C>G. VCF-style: chr19-38502647-C-G. GRCh37 (hg19) VCF-style: chr19-38993287-C-G.
Other names: c.7755C>G, p.Thr2585= (NM_001042723.2).
Identifiers: ClinVar variation 1160772 (VCV001160772.10), dbSNP rs768702294, ClinGen allele CA070147.